The following is an entry in ClinVar:

NM_015662.3(IFT172):c.3582C>T (p.His1194=)

Genes: IFT172 (intraflagellar transport 172; minus strand), LOC126806173 (BRD4-independent group 4 enhancer GRCh37_chr2:27676057-27677256; plus strand). Cytogenetic location: 2p23.3.
Variant type: single nucleotide variant.
Coding change: c.3582C>T on transcript NM_015662.3 (MANE Select); coding-DNA position 3582, C replaced by T.
Protein change: p.His1194=; no amino-acid change (histidine 1194 retained).
Molecular consequence: synonymous variant.
Genome position (GRCh38, 1-based): chr2:27,454,111, G>A on the plus strand (C>T on the coding strand, the complement: IFT172 is on the minus strand). VCF-style: chr2-27454111-G-A. GRCh37 (hg19) VCF-style: chr2-27676978-G-A.
Other names: c.3582C>T (NM_015662.2).
Identifiers: ClinVar variation 1612471 (VCV001612471.9), dbSNP rs376037251, ClinGen allele CA44490512.

ClinVar aggregate classification (germline): Likely benign. Review status: criteria provided, single submitter (1 of 4 stars). 2 submissions from 2 submitters: Likely benign (1). 1 of the submissions does not count toward it. Last evaluated 2025-06-01.

Conditions:
IFT172-related disorder. Also called: IFT172-related condition; IFT172-related disorders.
Short-rib thoracic dysplasia 10 with or without polydactyly (SRTD10). Identifiers: Orphanet 474, MedGen C3810175, MONDO:0014284, OMIM 615630.
Retinitis pigmentosa 71 (RP71). Identifiers: Orphanet 791, MedGen C4225342, MONDO:0014618, OMIM 616394.

Allele frequency attached by ClinVar (database versions not stated): gnomAD exomes below 0.00001 and 0.00001; TOPMed below 0.00001; gnomAD 0.00001; ESP Exome Variant Server 0.00008.
gnomAD v4.1: 7 of 1,613,772 alleles (0.00043%); highest among the groups gnomAD compares: African/African-American, 0.0027%; no homozygotes.

Submissions (2):

Labcorp Genetics (formerly Invitae), Labcorp
Classification: Likely benign for Retinitis pigmentosa 71; Short-rib thoracic dysplasia 10 with or without polydactyly. Last evaluated: 2025-06-01. Review status: criteria provided, single submitter. Criteria: Invitae Variant Classification Sherloc (09022015). Collection method: clinical testing. Allele origin: germline.

PreventionGenetics, part of Exact Sciences
Classification: Likely benign for IFT172-related condition. Last evaluated: 2023-12-29. Review status: no assertion criteria provided. Collection method: clinical testing. Allele origin: germline. Not counted in ClinVar's aggregate classification.
Comment: This variant is classified as likely benign based on ACMG/AMP sequence variant interpretation guidelines (Richards et al. 2015 PMID: 25741868, with internal and published modifications).